The following is an entry in ClinVar:

NM_001130438.3(SPTAN1):c.504+162_504+163insCTCTAG

Gene: SPTAN1 (spectrin alpha, non-erythrocytic 1; plus strand). Cytogenetic location: 9q34.11.
Variant type: Insertion.
Coding change: c.504+162_504+163insCTCTAG on transcript NM_001130438.3 (MANE Select); bases 162 to 163 of the intron after coding-DNA position 504, CTCTAG inserted.
Molecular consequence: intron variant.
Genome position: GRCh38 VCF-style: chr9-128574977-T-TCTCTAG. GRCh37 (hg19) VCF-style: chr9-131337256-T-TCTCTAG.
Other names: c.504+162_504+163insCTCTAG (NM_001363759.2, NM_003127.4, NM_001363765.2 and 1 more transcripts).
Identifiers: ClinVar variation 673101 (VCV000673101.1), dbSNP rs757456517, ClinGen allele CA200430357.

ClinVar aggregate classification (germline): Likely benign (1 of 4 stars; one submission).

Allele frequency attached by ClinVar (database versions not stated): 1000 Genomes Project 30x 0.01515; gnomAD 0.02558 and 0.02580.

Submission:

GeneDx
Classification: Likely benign. Last evaluated: 2018-06-14. Review status: criteria provided, single submitter. Criteria: GeneDx Variant Classification (06012015). Collection method: clinical testing. Allele origin: germline. Affected: yes.
Comment: This variant is considered likely benign or benign based on one or more of the following criteria: it is a conservative change, it occurs at a poorly conserved position in the protein, it is predicted to be benign by multiple in silico algorithms, and/or has population frequency not consistent with disease.